The following is an entry in ClinVar:

ClinVar aggregate classification (germline): Pathogenic (1 of 4 stars; one submission).

Conditions:
Deficiency of aromatic-L-amino-acid decarboxylase. Also called: Aromatic L-Amino Acid Decarboxylase Deficiency; Aromatic amino acid decarboxylase deficiency; AADC DEFICIENCY; DDC DEFICIENCY; DOPA DECARBOXYLASE DEFICIENCY. Identifiers: Orphanet 35708, MedGen C1291564, MONDO:0012084, OMIM 608643.

Submission:

Labcorp Genetics (formerly Invitae), Labcorp
Classification: Pathogenic for Deficiency of aromatic-L-amino-acid decarboxylase. Last evaluated: 2022-09-12. Review status: criteria provided, single submitter. Criteria: Invitae Variant Classification Sherloc (09022015). Collection method: clinical testing. Allele origin: germline.
Comment: For these reasons, this variant has been classified as Pathogenic. This variant has not been reported in the literature in individuals affected with DDC-related conditions. This variant is not present in population databases (gnomAD no frequency). This sequence change creates a premature translational stop signal (p.Asp339Glufs*8) in the DDC gene. It is expected to result in an absent or disrupted protein product. Loss-of-function variants in DDC are known to be pathogenic (PMID: 15079002, 24788355).

Literature cited by the submitters: PubMed 15079002; PubMed 24788355.

NM_001082971.2(DDC):c.1013_1016dup (p.Asp339fs)

Gene: DDC (dopa decarboxylase; minus strand). Cytogenetic location: 7p12.2.
Variant type: Duplication.
Coding change: c.1013_1016dup on transcript NM_001082971.2 (MANE Select); coding-DNA positions 1013 to 1016, 4 bases duplicated (AGGA; older notation c.1013_1016dupAGGA).
Protein change: p.Asp339fs; shifts the reading frame from aspartic acid 339.
Molecular consequence: frameshift variant.
Genome position (GRCh38, 1-based): chr7:50,479,792-50,479,795, TCCT duplicated on the plus strand (AGGA on the coding strand, the reverse complement: DDC is on the minus strand). VCF-style (leftmost placement, unchanged base first): chr7-50479791-A-ATCCT. GRCh37 (hg19) VCF-style: chr7-50547489-A-ATCCT.
Other names: c.1013_1016dup, p.Asp339fs (NM_000790.4); c.899_902dup, p.Asp301fs (NM_001242886.2); c.869_872dup, p.Asp291fs (NM_001242887.2); c.779_782dup, p.Asp261fs (NM_001242888.2); c.734_737dup, p.Asp246fs (NM_001242889.2); short protein forms D301fs, D261fs, D246fs, D291fs, D339fs.
Identifiers: ClinVar variation 2030127 (VCV002030127.4), dbSNP rs2535060477, ClinGen allele CA2580077227.